The following is an entry in ClinVar:

NM_015681.6(B9D1):c.181C>T (p.Arg61Trp)

Gene: B9D1 (B9 domain containing 1; minus strand). Cytogenetic location: 17p11.2.
Variant type: single nucleotide variant.
Coding change: c.181C>T on transcript NM_015681.6 (MANE Select); coding-DNA position 181, C replaced by T.
Protein change: p.Arg61Trp; replaces arginine 61 with tryptophan.
Molecular consequence: missense variant. On other transcripts: 5 prime UTR variant (1).
Genome position (GRCh38, 1-based): chr17:19,357,903, G>A on the plus strand (C>T on the coding strand, the complement: B9D1 is on the minus strand). VCF-style: chr17-19357903-G-A. GRCh37 (hg19) VCF-style: chr17-19261216-G-A.
Other names: c.181C>T (NM_015681.5); c.181C>T, p.Arg61Trp (NM_001321214.2, NM_001321215.3, NM_001321216.2 and 4 more transcripts); c.-180C>T (NM_001368769.2); short protein forms R61W.
Identifiers: ClinVar variation 260671 (VCV000260671.18), dbSNP rs73980038, ClinGen allele CA8440333.
Genomic context (GRCh38, chr17:19,357,903, plus strand): 5'-CGTAGGGGTTGGTGCTTTTAAAGGTGACATCAATGGGGAAGTTCCACACCAGTGCTTGCC[G>A]CACATCTTGGCTCTTGGATGTGATCTGTGAGATCCCCTCCTCCAGACCCTGTGAGGACAG-3'
Protein context (NP_056496.1, residues 51-71): SQITSKSQDV[Arg61Trp]QALVWNFPID

ClinVar aggregate classification (germline): Benign/Likely benign. Review status: criteria provided, multiple submitters, no conflicts (2 of 4 stars). 6 submissions from 6 submitters: Benign (4); Likely benign (2). Last evaluated 2026-02-04.

Conditions:
Meckel-Gruber syndrome. Also called: Dysencephalia splachnocystica; DYSENCEPHALIA SPLANCHNOCYSTICA; GRUBER SYNDROME. Identifiers: Orphanet 564, MedGen C0265215, MONDO:0018921.
Joubert syndrome. Also called: CEREBELLOPARENCHYMAL DISORDER IV; JOUBERT-BOLTSHAUSER SYNDROME; Familial aplasia of the vermis. Identifiers: Orphanet 475, MedGen C5979921, MONDO:0018772.
Meckel syndrome, type 9 (MKS9). Identifiers: Orphanet 564, MedGen C3280155, MONDO:0013630, OMIM 614209.

Allele frequency attached by ClinVar (database versions not stated): gnomAD exomes 0.00095 and 0.00260; ExAC 0.00309; 1000 Genomes Project 0.00919; gnomAD 0.00990 and 0.01073; 1000 Genomes Project 30x 0.00999; TOPMed 0.01156; ESP Exome Variant Server 0.01299.
gnomAD v4.1: 2,943 of 1,614,102 alleles (0.18%); highest among the groups gnomAD compares: African/African-American, 3.5%; 48 homozygotes.

Submissions (6):

Labcorp Genetics (formerly Invitae), Labcorp
Classification: Benign for Joubert syndrome; Meckel-Gruber syndrome. Last evaluated: 2026-02-04. Review status: criteria provided, single submitter. Criteria: Invitae Variant Classification Sherloc (09022015). Collection method: clinical testing. Allele origin: germline.

Mayo Clinic Laboratories, Mayo Clinic
Classification: Benign. Last evaluated: 2023-04-03. Review status: criteria provided, single submitter. Criteria: ACMG Guidelines, 2015. Collection method: clinical testing. Allele origin: germline. Observed: 3 variant alleles.
Comment: BS1, BS2

Illumina Laboratory Services, Illumina
Classification: Likely benign for Meckel syndrome, type 9. Last evaluated: 2017-04-28. Review status: criteria provided, single submitter. Criteria: ICSL Variant Classification Criteria 13 December 2019. Collection method: clinical testing. Allele origin: germline.
Comment: This variant was observed as part of a predisposition screen in an ostensibly healthy population. A literature search was performed for the gene, cDNA change, and amino acid change (where applicable). Publications were found based on this search. The evidence from the literature, in combination with allele frequency data from public databases where available, was sufficient to determine this variant is unlikely to cause disease. Therefore, this variant is classified as likely benign.

GeneDx
Classification: Benign. Last evaluated: 2016-05-09. Review status: criteria provided, single submitter. Criteria: GeneDx Variant Classification (06012015). Collection method: clinical testing. Allele origin: germline. Affected: yes.
Comment: This variant is considered likely benign or benign based on one or more of the following criteria: it is a conservative change, it occurs at a poorly conserved position in the protein, it is predicted to be benign by multiple in silico algorithms, and/or has population frequency not consistent with disease.

Breakthrough Genomics
Classification: Likely benign. Review status: criteria provided, single submitter. Criteria: ACMG Guidelines, 2015. Collection method: not provided. Allele origin: germline. Inheritance: Autosomal recessive inheritance. Affected: yes.

PreventionGenetics, part of Exact Sciences
Classification: Benign. Review status: criteria provided, single submitter. Criteria: ACMG Guidelines, 2015. Collection method: clinical testing. Allele origin: germline.

Literature cited by the submitters: PubMed 21493627 (cited by Mayo Clinic Laboratories, Mayo Clinic and Illumina Laboratory Services, Illumina).